The following is an entry in ClinVar:

NM_005251.3(FOXC2):c.889GTG[3] (p.Val298dup)

Gene: FOXC2 (forkhead box C2; plus strand). Cytogenetic location: 16q24.1.
Variant type: Microsatellite.
Coding change: c.889GTG[3] on transcript NM_005251.3 (MANE Select); three copies in a row of the 3-base unit GTG starting at c.889; the reference has two copies in a row; one copy, 3 bases duplicated; also written c.892_894dup.
Protein change: p.Val298dup; duplicates valine 298.
Molecular consequence: inframe insertion.
Genome position (GRCh38, 1-based): chr16:86,568,227-86,568,229, GTG duplicated; duplicating any 3 consecutive bases within chr16:86,568,222-86,568,229 gives the same sequence; the position shown is the placement nearest the transcript's 3' end. VCF-style (leftmost placement, unchanged base first): chr16-86568221-C-CTGG. GRCh37 (hg19) VCF-style: chr16-86601827-C-CTGG.
Other names: c.892_894dup (NM_005251.3).
Identifiers: ClinVar variation 1330828 (VCV001330828.10), dbSNP rs758855849, ClinGen allele CA8218405.

ClinVar aggregate classification (germline): Uncertain significance. Review status: criteria provided, multiple submitters, no conflicts (2 of 4 stars). 3 submissions from 3 submitters: Uncertain significance (3). Last evaluated 2024-03-21.

Conditions:
Distichiasis-lymphedema syndrome. Also called: LYMPHEDEMA WITH DISTICHIASIS. Identifiers: Orphanet 33001, MedGen C0265345, MONDO:0007922, OMIM 153400.

Submissions (3):

Labcorp Genetics (formerly Invitae), Labcorp
Classification: Uncertain significance. Last evaluated: 2024-03-21. Review status: criteria provided, single submitter. Criteria: Invitae Variant Classification Sherloc (09022015). Collection method: clinical testing. Allele origin: germline.
Comment: This variant, c.892_894dup, results in the insertion of 1 amino acid(s) of the FOXC2 protein (p.Val298dup), but otherwise preserves the integrity of the reading frame. This variant is not present in population databases (gnomAD no frequency). This variant has not been reported in the literature in individuals affected with FOXC2-related conditions. ClinVar contains an entry for this variant (Variation ID: 1330828). In summary, the available evidence is currently insufficient to determine the role of this variant in disease. Therefore, it has been classified as a Variant of Uncertain Significance.

Fulgent Genetics
Classification: Uncertain significance for Distichiasis-lymphedema syndrome. Last evaluated: 2021-12-24. Review status: criteria provided, single submitter. Criteria: ACMG Guidelines, 2015. Collection method: clinical testing. Allele origin: unknown.

ARUP Laboratories, Molecular Genetics and Genomics, ARUP Laboratories
Classification: Uncertain significance. Last evaluated: 2021-01-14. Review status: criteria provided, single submitter. Criteria: ARUP Molecular Germline Variant Investigation Process 2021. Collection method: clinical testing. Allele origin: germline.
Comment: The FOXC2 c.892_894dup; p.Val298dup variant (rs758855849), to our knowledge, is not reported in the medical literature or gene-specific databases. This variant is also absent from general population databases (Exome Variant Server, Genome Aggregation Database), indicating it is not a common polymorphism. This variant duplicates a single valine residue, leaving the rest of the protein in-frame. Due to limited information, the clinical significance of the p.Val298dup variant is uncertain at this time.